The following is an entry in ClinVar:

ClinVar aggregate classification (germline): Benign (1 of 4 stars; one submission).

Conditions:
Oroticaciduria. Also called: Orotic aciduria. Identifiers: Orphanet 30, MedGen C0268128, HP:0003218.

Allele frequency attached by ClinVar (database versions not stated): gnomAD 0.16880 and 0.16689; TOPMed 0.16989; 1000 Genomes Project 30x 0.17879; gnomAD exomes 0.19835 and 0.18991; 1000 Genomes Project 0.17772; ExAC 0.19282.
gnomAD v4.1: 82,565 of 453,668 alleles (18%); highest among the groups gnomAD compares: Admixed American, 29%; 8,431 homozygotes.

Submission:

Illumina Laboratory Services, Illumina
Classification: Benign for Hereditary orotic aciduria. Last evaluated: 2018-01-12. Review status: criteria provided, single submitter. Criteria: ICSL Variant Classification Criteria 13 December 2019. Collection method: clinical testing. Allele origin: germline.
Comment: This variant was observed in the ICSL laboratory as part of a predisposition screen in an ostensibly healthy population. It had not been previously curated by ICSL or reported in the Human Gene Mutation Database (HGMD: prior to June 1st, 2018), and was therefore a candidate for classification through an automated scoring system. Utilizing variant allele frequency, disease prevalence and penetrance estimates, and inheritance mode, an automated score was calculated to assess if this variant is too frequent to cause the disease. Based on the score and internal cut-off values, a variant classified as benign is not then subjected to further curation. The score for this variant resulted in a classification of benign for this disease.

NM_000373.4(UMPS):c.*3026G>A

Gene: UMPS (uridine monophosphate synthetase; plus strand). Cytogenetic location: 3q21.2.
Variant type: single nucleotide variant.
Coding change: c.*3026G>A on transcript NM_000373.4 (MANE Select); 3026 bases downstream of the stop codon, G replaced by A.
Molecular consequence: 3 prime UTR variant. On other transcripts: non-coding transcript variant (2).
Genome position (GRCh38, 1-based): chr3:124,747,110, G>A. VCF-style: chr3-124747110-G-A. GRCh37 (hg19) VCF-style: chr3-124465957-G-A.
Identifiers: ClinVar variation 342993 (VCV000342993.5), dbSNP rs1979412, ClinGen allele CA2582088.